The following is an entry in ClinVar:

ClinVar aggregate classification (germline): Conflicting classifications of pathogenicity. Review status: criteria provided, conflicting classifications (1 of 4 stars). 2 submissions from 2 submitters: Uncertain significance (1); Likely benign (1). Last evaluated 2022-07-19.

Conditions:
Ehlers-Danlos syndrome, classic type, 1 (EDSCL1). Also called: EHLERS-DANLOS SYNDROME, GRAVIS TYPE; EHLERS-DANLOS SYNDROME, SEVERE CLASSIC TYPE; Ehlers-Danlos syndrome, type 1; Ehlers-Danlos Syndrome, Classic Type, COL5A1-Related; EDS I. Identifiers: MedGen C0268335, MONDO:0019567, OMIM 130000.
Familial thoracic aortic aneurysm and aortic dissection (TAAD). Also called: Thoracic aortic aneurysms and dissections. Identifiers: Orphanet 91387, MedGen C4707243, MONDO:0019625.

Submissions (2):

Labcorp Genetics (formerly Invitae), Labcorp
Classification: Likely benign for Ehlers-Danlos syndrome, classic type, 1. Last evaluated: 2022-07-19. Review status: criteria provided, single submitter. Criteria: Invitae Variant Classification Sherloc (09022015). Collection method: clinical testing. Allele origin: germline.

Ambry Genetics
Classification: Uncertain significance for Familial thoracic aortic aneurysm and aortic dissection. Last evaluated: 2022-01-20. Review status: criteria provided, single submitter. Criteria: Ambry Variant Classification Scheme 2023. Collection method: clinical testing. Allele origin: germline.
Comment: The c.3310-4T>G intronic variant results from a T to G substitution 4 nucleotides upstream from coding exon 47 in the COL5A2 gene. This nucleotide position is poorly conserved in available vertebrate species. In silico splice site analysis predicts that this alteration will not have any significant effect on splicing. Since supporting evidence is limited at this time, the clinical significance of this alteration remains unclear.

NM_000393.5(COL5A2):c.3310-4T>G

Gene: COL5A2 (collagen type V alpha 2 chain; minus strand). Cytogenetic location: 2q32.2.
Variant type: single nucleotide variant.
Coding change: c.3310-4T>G on transcript NM_000393.5 (MANE Select); 4 bases into the intron before coding-DNA position 3310, T replaced by G.
Molecular consequence: intron variant.
Genome position (GRCh38, 1-based): chr2:189,045,236, A>C on the plus strand (T>G on the coding strand, the complement: COL5A2 is on the minus strand). VCF-style: chr2-189045236-A-C. GRCh37 (hg19) VCF-style: chr2-189909962-A-C.
Identifiers: ClinVar variation 1399598 (VCV001399598.10), dbSNP rs2153507285, ClinGen allele CA2573134232.
Genomic context (GRCh38, chr2:189,045,236, plus strand): 5'-TACAGGTAATCCACGTTTCCCAGCTCGACCAGGTGGTCCTATAGGACCCCGAGAACCCTA[A>C]AAGAAATTTACAACAAAAAAAATTGGCATGTAAAAAAGATATTCACATATTACATAGATA-3'